The following is an entry in ClinVar:

NM_001353108.3(CEP63):c.1331G>C (p.Arg444Pro)

Gene: CEP63 (centrosomal protein 63; plus strand). Cytogenetic location: 3q22.2.
Variant type: single nucleotide variant.
Coding change: c.1331G>C on transcript NM_001353108.3 (MANE Select); coding-DNA position 1331, G replaced by C.
Protein change: p.Arg444Pro; replaces arginine 444 with proline.
Molecular consequence: missense variant. On other transcripts: non-coding transcript variant (4).
Genome position (GRCh38, 1-based): chr3:134,550,211, G>C. VCF-style: chr3-134550211-G-C. GRCh37 (hg19) VCF-style: chr3-134269053-G-C.
Other names: c.1193G>C, p.Arg398Pro (NM_001042383.2, NM_001042384.2, NM_001353109.1 and 6 more transcripts); c.1331G>C, p.Arg444Pro (NM_001042400.3, NM_001353110.1, NM_001353111.2 and 4 more transcripts); c.1220G>C, p.Arg407Pro (NM_001353118.1); c.1109G>C, p.Arg370Pro (NM_001353125.2); c.830G>C, p.Arg277Pro (NM_001353126.2); short protein forms R398P, R277P, R444P, R370P, R407P.
Identifiers: ClinVar variation 4779210 (VCV004779210.1).
Genomic context (GRCh38, chr3:134,550,211, plus strand): 5'-TACATCAGCGAGATATCACTATTGCTTCCACCAAAGGTTCTTCCTCAGACATGGAAAAGC[G>C]ACTCAGAGCAGAGATGCAAAAGGCAGAAGACAAAGCAGTAGAGCATAAGGTGAAGCCTGA-3'
Protein context (NP_001340037.1, residues 434-454): TKGSSSDMEK[Arg444Pro]LRAEMQKAED

ClinVar aggregate classification (germline): Uncertain significance (1 of 4 stars; one submission).

gnomAD v4.1: 2 of 1,613,986 alleles (0.00012%); highest among the groups gnomAD compares: Admixed American, 0.0033%; no homozygotes.

Submission:

Labcorp Genetics (formerly Invitae), Labcorp
Classification: Uncertain significance. Last evaluated: 2025-07-27. Review status: criteria provided, single submitter. Criteria: Invitae Variant Classification Sherloc (09022015). Collection method: clinical testing. Allele origin: germline.
Comment: This sequence change replaces arginine, which is basic and polar, with proline, which is neutral and non-polar, at codon 444 of the CEP63 protein (p.Arg444Pro). This variant is present in population databases (rs140451650, gnomAD 0.01%). This variant has not been reported in the literature in individuals affected with CEP63-related conditions. Invitae Evidence Modeling of protein sequence and biophysical properties (such as structural, functional, and spatial information, amino acid conservation, physicochemical variation, residue mobility, and thermodynamic stability) indicates that this missense variant is not expected to disrupt CEP63 protein function with a negative predictive value of 80%. In summary, the available evidence is currently insufficient to determine the role of this variant in disease. Therefore, it has been classified as a Variant of Uncertain Significance.